The following is an entry in ClinVar:

NM_000059.4(BRCA2):c.521G>T (p.Arg174Leu)

Gene: BRCA2 (BRCA2 DNA repair associated; plus strand). Cytogenetic location: 13q13.1.
Variant type: single nucleotide variant.
Coding change: c.521G>T on transcript NM_000059.4 (MANE Select); coding-DNA position 521, G replaced by T.
Protein change: p.Arg174Leu; replaces arginine 174 with leucine.
Molecular consequence: missense variant. On other transcripts: non-coding transcript variant (1).
Genome position (GRCh38, 1-based): chr13:32,326,503, G>T. VCF-style: chr13-32326503-G-T. GRCh37 (hg19) VCF-style: chr13-32900640-G-T.
Other names: c.521G>T, p.Arg174Leu (NM_001406719.1, NM_001406720.1, NM_001406721.1 and 1 more transcripts); c.152G>T, p.Arg51Leu (NM_001406722.1); short protein forms R174L, R51L.
Identifiers: ClinVar variation 4628914 (VCV004628914.1).

ClinVar aggregate classification (germline): Uncertain significance (1 of 4 stars; one submission).

Conditions:
Hereditary cancer-predisposing syndrome. Also called: Neoplastic Syndromes, Hereditary; Tumor predisposition; Hereditary Cancer Syndrome; Hereditary neoplastic syndrome. Identifiers: Orphanet 140162, MedGen C0027672, MeSH D009386, MONDO:0015356.

Submission:

Ambry Genetics
Classification: Uncertain significance for Hereditary cancer-predisposing syndrome. Last evaluated: 2025-10-17. Review status: criteria provided, single submitter. Criteria: Ambry Variant Classification Scheme 2023. Collection method: clinical testing. Allele origin: germline.
Comment: The p.R174L variant (also known as c.521G>T), located in coding exon 6 of the BRCA2 gene, results from a G to T substitution at nucleotide position 521. The arginine at codon 174 is replaced by leucine, an amino acid with dissimilar properties. This amino acid position is conserved. In addition, this alteration is predicted to be tolerated by in silico analysis. Based on the available evidence, the clinical significance of this variant remains unclear.